The following is an entry in ClinVar:

ClinVar aggregate classification (germline): Pathogenic (1 of 4 stars; one submission).

Conditions:
Glycogen storage disease type III (GSD3). Also called: FORBES DISEASE; Cori disease. Identifiers: Orphanet 366, MedGen C0017922, MONDO:0009291, OMIM 232400.

Submission:

Labcorp Genetics (formerly Invitae), Labcorp
Classification: Pathogenic for Glycogen storage disease type III. Last evaluated: 2022-06-14. Review status: criteria provided, single submitter. Criteria: Invitae Variant Classification Sherloc (09022015). Collection method: clinical testing. Allele origin: germline.
Comment: This sequence change creates a premature translational stop signal (p.Trp1451Cysfs*18) in the AGL gene. It is expected to result in an absent or disrupted protein product. Loss-of-function variants in AGL are known to be pathogenic (PMID: 19299494). This variant is not present in population databases (gnomAD no frequency). This variant has not been reported in the literature in individuals affected with AGL-related conditions. For these reasons, this variant has been classified as Pathogenic.

Literature cited by the submitters: PubMed 19299494.

NM_000642.3(AGL):c.4353del (p.Trp1451fs)

Gene: AGL (amylo-alpha-1,6-glucosidase and 4-alpha-glucanotransferase; plus strand). Cytogenetic location: 1p21.2.
Variant type: Deletion.
Coding change: c.4353del on transcript NM_000642.3 (MANE Select); coding-DNA position 4353, one base deleted (G; older notation c.4353delG).
Protein change: p.Trp1451fs; shifts the reading frame from tryptophan 1451.
Molecular consequence: frameshift variant.
Genome position (GRCh38, 1-based): chr1:99,916,603, G deleted; the last of 2 consecutive G bases (chr1:99,916,602-99,916,603); deleting either gives the same sequence. VCF-style (leftmost placement, unchanged base first): chr1-99916601-TG-T. GRCh37 (hg19) VCF-style: chr1-100382157-TG-T.
Other names: c.4353delG, p.Trp1451Cysfs (NM_000028.3, NM_000643.3, NM_000644.3 and 1 more transcripts); c.4305delG, p.Trp1435Cysfs (NM_000646.3); c.4332delG, p.Trp1444Cysfs (NM_001425326.1); c.4152delG, p.Trp1384Cysfs (NM_001425327.1); c.4149delG, p.Trp1383Cysfs (NM_001425328.1); c.4014delG, p.Trp1338Cysfs (NM_001425329.1); c.3975delG, p.Trp1325Cysfs (NM_001425332.1); short protein forms W1451fs, W1435fs.
Identifiers: ClinVar variation 2006378 (VCV002006378.4), dbSNP rs2523864330, ClinGen allele CA2580063411.